The following is an entry in ClinVar:

ClinVar aggregate classification (germline): Likely benign. Review status: criteria provided, multiple submitters, no conflicts (2 of 4 stars). 2 submissions from 2 submitters: Likely benign (2). Last evaluated 2025-11-01.

gnomAD v4.1: 6,992 of 1,537,074 alleles (0.45%); highest among the groups gnomAD compares: Non-Finnish European, 0.54%; 26 homozygotes.

Submissions (2):

CeGaT Center for Human Genetics Tuebingen
Classification: Likely benign. Last evaluated: 2025-11-01. Review status: criteria provided, single submitter. Criteria: CeGaT Center For Human Genetics Tuebingen Variant Classification Criteria Version 2. Collection method: clinical testing. Allele origin: germline. Affected: yes. Observed: 2 variant alleles.
Comment: MNX1: BP4, BS2

Blueprint Genetics
Classification: Likely benign. Last evaluated: 2024-11-22. Review status: criteria provided, single submitter. Criteria: ACMG Guidelines, 2015. Collection method: clinical testing. Allele origin: germline.

NM_005515.4(MNX1):c.691+668G>C

Gene: MNX1 (motor neuron and pancreas homeobox 1; minus strand). Cytogenetic location: 7q36.3.
Variant type: single nucleotide variant.
Coding change: c.691+668G>C on transcript NM_005515.4 (MANE Select); 668 bases into the intron after coding-DNA position 691, G replaced by C.
Molecular consequence: intron variant.
Genome position (GRCh38, 1-based): chr7:157,008,992, C>G on the plus strand (G>C on the coding strand, the complement: MNX1 is on the minus strand). VCF-style: chr7-157008992-C-G. GRCh37 (hg19) VCF-style: chr7-156801686-C-G.
Other names: c.55+6G>C (NM_001165255.2).
Identifiers: ClinVar variation 4083590 (VCV004083590.9).